The following is an entry in ClinVar:

ClinVar aggregate classification (germline): Benign (1 of 4 stars; one submission).

Allele frequency attached by ClinVar (database versions not stated): gnomAD 0.12617 and 0.13168; 1000 Genomes Project 30x 0.16171; TOPMed 0.13670; 1000 Genomes Project 0.15603.

Submission:

GeneDx
Classification: Benign. Last evaluated: 2018-06-18. Review status: criteria provided, single submitter. Criteria: GeneDx Variant Classification (06012015). Collection method: clinical testing. Allele origin: germline. Affected: yes.
Comment: This variant is considered likely benign or benign based on one or more of the following criteria: it is a conservative change, it occurs at a poorly conserved position in the protein, it is predicted to be benign by multiple in silico algorithms, and/or has population frequency not consistent with disease.

NM_002294.2(LAMP2):c.-421T>G

Gene: LAMP2 (lysosome associated membrane protein 2; minus strand). Cytogenetic location: Xq24.
Variant type: single nucleotide variant.
Coding change: c.-421T>G on transcript NM_002294.2; 421 bases upstream of the start codon, T replaced by G.
Genome position (GRCh38, 1-based): chrX:120,469,590, A>C on the plus strand (T>G on the coding strand, the complement: LAMP2 is on the minus strand). VCF-style: chrX-120469590-A-C. GRCh37 (hg19) VCF-style: chrX-119603445-A-C.
Identifiers: ClinVar variation 683597 (VCV000683597.3), dbSNP rs28603270, ClinGen allele CA335014993.